The following is an entry in ClinVar:

ClinVar aggregate classification (germline): Pathogenic (1 of 4 stars; one submission).

Conditions:
Idiopathic Pulmonary Fibrosis. Also called: Idiopathic fibrosing alveolitis, chronic form; idiopathic fibrosing alveolitis. Identifiers: Orphanet 2032, MedGen C1800706, MeSH D054990, MONDO:0800504.
Dyskeratosis congenita, autosomal dominant 2. Identifiers: MedGen C3151443, MONDO:0013521, OMIM 613989.

Submission:

Labcorp Genetics (formerly Invitae), Labcorp
Classification: Pathogenic for Dyskeratosis congenita, autosomal dominant 2; Idiopathic Pulmonary Fibrosis. Last evaluated: 2021-07-22. Review status: criteria provided, single submitter. Criteria: Invitae Variant Classification Sherloc (09022015). Collection method: clinical testing. Allele origin: germline.
Comment: For these reasons, this variant has been classified as Pathogenic. This sequence change creates a premature translational stop signal (p.Tyr772Trpfs*10) in the TERT gene. It is expected to result in an absent or disrupted protein product. Loss-of-function variants in TERT are known to be pathogenic (PMID: 16247010, 17460043). This variant is not present in population databases (ExAC no frequency). This variant has not been reported in the literature in individuals affected with TERT-related conditions.

Literature cited by the submitters: PubMed 16247010; PubMed 17460043.

NM_198253.3(TERT):c.2315_2330del (p.Tyr772fs)

Gene: TERT (telomerase reverse transcriptase; minus strand). Cytogenetic location: 5p15.33.
Variant type: Deletion.
Coding change: c.2315_2330del on transcript NM_198253.3 (MANE Select); coding-DNA positions 2315 to 2330, 16 bases deleted (ACATGCGACAGTTCGT).
Protein change: p.Tyr772fs; shifts the reading frame from tyrosine 772.
Molecular consequence: frameshift variant.
Genome position (GRCh38, 1-based): chr5:1,272,237-1,272,252, ACGAACTGTCGCATGT deleted on the plus strand (ACATGCGACAGTTCGT on the coding strand, the reverse complement: TERT is on the minus strand); deleting any 16 consecutive bases within chr5:1,272,237-1,272,255 gives the same sequence; the c. name uses the placement nearest the transcript's 3' end. VCF-style (leftmost placement, unchanged base first): chr5-1272236-CACGAACTGTCGCATGT-C. GRCh37 (hg19) VCF-style: chr5-1272351-CACGAACTGTCGCATGT-C.
Other names: c.2315_2330del, p.Tyr772fs (NM_001193376.3); short protein forms Y772fs.
Identifiers: ClinVar variation 1379483 (VCV001379483.6), dbSNP rs2126617841, ClinGen allele CA2573138561.